The following is an entry in ClinVar:

ClinVar aggregate classification (germline): Likely benign (1 of 4 stars; one submission).

Conditions:
Growth delay due to insulin-like growth factor I resistance. Also called: Insulin-Like Growth Factor I Resistance; Somatomedin end-organ insensitivity to; Somatomedin-c resistance to; IGF-1 resistance; IGF-I RESISTANCE. Identifiers: Orphanet 73273, MedGen C1849157, MONDO:0010038, OMIM 270450.

Allele frequency attached by ClinVar (database versions not stated): gnomAD 0.00024 and 0.00034; TOPMed 0.00031; gnomAD exomes 0.00128; 1000 Genomes Project 0.00200; 1000 Genomes Project 30x 0.00234.
gnomAD v4.1: 154 of 233,850 alleles (0.066%); highest among the groups gnomAD compares: East Asian, 0.88%; 1 homozygote.

Submission:

Illumina Laboratory Services, Illumina
Classification: Likely benign for Growth delay due to insulin-like growth factor I resistance. Last evaluated: 2018-01-13. Review status: criteria provided, single submitter. Criteria: ICSL Variant Classification Criteria 13 December 2019. Collection method: clinical testing. Allele origin: germline.
Comment: This variant was observed in the ICSL laboratory as part of a predisposition screen in an ostensibly healthy population. It had not been previously curated by ICSL or reported in the Human Gene Mutation Database (HGMD: prior to June 1st, 2018), and was therefore a candidate for classification through an automated scoring system. Utilizing variant allele frequency, disease prevalence and penetrance estimates, and inheritance mode, an automated score was calculated to assess if this variant is too frequent to cause the disease. Based on the score and internal cut-off values, a variant classified as likely benign is not then subjected to further curation. The score for this variant resulted in a classification of likely benign for this disease.

NM_000875.5(IGF1R):c.*5166C>T

Gene: IGF1R (insulin like growth factor 1 receptor; plus strand). Cytogenetic location: 15q26.3.
Variant type: single nucleotide variant.
Coding change: c.*5166C>T on transcript NM_000875.5 (MANE Select); 5166 bases downstream of the stop codon, C replaced by T.
Molecular consequence: 3 prime UTR variant.
Genome position (GRCh38, 1-based): chr15:98,962,608, C>T. VCF-style: chr15-98962608-C-T. GRCh37 (hg19) VCF-style: chr15-99505837-C-T.
Other names: c.*5166C>T (NM_001291858.2).
Identifiers: ClinVar variation 885319 (VCV000885319.4), dbSNP rs143549253, ClinGen allele CA275340044.